The following is an entry in ClinVar:

ClinVar aggregate classification (germline): Uncertain significance (1 of 4 stars; one submission).

Conditions:
Hereditary cancer-predisposing syndrome. Also called: Neoplastic Syndromes, Hereditary; Tumor predisposition; Hereditary Cancer Syndrome; Hereditary neoplastic syndrome. Identifiers: Orphanet 140162, MedGen C0027672, MeSH D009386, MONDO:0015356.

Allele frequency attached by ClinVar (database versions not stated): gnomAD exomes below 0.00001; ExAC 0.00003.
gnomAD v4.1: 1 of 1,567,954 alleles (0.000064%); highest among the groups gnomAD compares: African/African-American, 0.0013%; no homozygotes.

Submission:

Ambry Genetics
Classification: Uncertain significance for Hereditary cancer-predisposing syndrome. Last evaluated: 2022-03-16. Review status: criteria provided, single submitter. Criteria: Ambry Variant Classification Scheme 2023. Collection method: clinical testing. Allele origin: germline.
Comment: The p.V1205A variant (also known as c.3614T>C), located in coding exon 22 of the PTCH1 gene, results from a T to C substitution at nucleotide position 3614. The valine at codon 1205 is replaced by alanine, an amino acid with similar properties. This amino acid position is conserved. In addition, this alteration is predicted to be deleterious by in silico analysis. Since supporting evidence is limited at this time, the clinical significance of this alteration remains unclear.

NM_000264.5(PTCH1):c.3614T>C (p.Val1205Ala)

Gene: PTCH1 (patched 1; minus strand). Cytogenetic location: 9q22.32.
Variant type: single nucleotide variant.
Coding change: c.3614T>C on transcript NM_000264.5 (MANE Select); coding-DNA position 3614, T replaced by C.
Protein change: p.Val1205Ala; replaces valine 1205 with alanine.
Molecular consequence: missense variant. On other transcripts: non-coding transcript variant (1).
Genome position (GRCh38, 1-based): chr9:95,449,259, A>G on the plus strand (T>C on the coding strand, the complement: PTCH1 is on the minus strand). VCF-style: chr9-95449259-A-G. GRCh37 (hg19) VCF-style: chr9-98211541-A-G.
Other names: c.3416T>C, p.Val1139Ala (NM_001083602.3); c.3611T>C, p.Val1204Ala (NM_001083603.3); c.3161T>C, p.Val1054Ala (NM_001083604.3, NM_001083605.3, NM_001083606.3 and 1 more transcripts); c.3458T>C, p.Val1153Ala (NM_001354918.2); short protein forms V1139A, V1153A, V1204A, V1054A, V1205A.
Identifiers: ClinVar variation 1733265 (VCV001733265.2), dbSNP rs775882469, ClinGen allele CA5138103.